The following is an entry in ClinVar:

NM_144573.4(NEXN):c.871G>A (p.Glu291Lys)

Gene: NEXN (nexilin F-actin binding protein; plus strand). Cytogenetic location: 1p31.1.
Variant type: single nucleotide variant.
Coding change: c.871G>A on transcript NM_144573.4 (MANE Select); coding-DNA position 871, G replaced by A.
Protein change: p.Glu291Lys; replaces glutamic acid 291 with lysine.
Molecular consequence: missense variant.
Genome position (GRCh38, 1-based): chr1:77,929,322, G>A. VCF-style: chr1-77929322-G-A. GRCh37 (hg19) VCF-style: chr1-78395007-G-A.
Other names: c.679G>A, p.Glu227Lys (NM_001172309.2); short protein forms E291K, E227K.
Identifiers: ClinVar variation 470684 (VCV000470684.10), dbSNP rs770120245, ClinGen allele CA918771.
Genomic context (GRCh38, chr1:77,929,322, plus strand): 5'-ATTCCTTTTTCTGATGAACCTCAATTCTTAGTAATGAATTGTTTATTTGGTTAGGTAAAT[G>A]AAGATGAGGAAAACCAAGACACAGCAAAAATTTTTAAAGGGTACCGCCCTGGTAAACTCA-3'
Protein context (NP_653174.3, residues 281-301): FEEARRQMVN[Glu291Lys]DEENQDTAKI

ClinVar aggregate classification (germline): Uncertain significance. Review status: criteria provided, multiple submitters, no conflicts (2 of 4 stars). 3 submissions from 3 submitters: Uncertain significance (3). Last evaluated 2023-09-07.

Conditions:
Dilated cardiomyopathy 1CC (CMD1CC). Identifiers: Orphanet 154, MedGen C2751084, MONDO:0013147, OMIM 613122.
Hypertrophic cardiomyopathy 20. Identifiers: MedGen C3151267, MONDO:0013477, OMIM 613876.
Cardiovascular phenotype. Identifiers: MedGen CN230736.

Allele frequency attached by ClinVar (database versions not stated): ExAC 0.00001; gnomAD exomes 0.00001 and 0.00002; TOPMed 0.00002.
gnomAD v4.1: 11 of 1,605,570 alleles (0.00069%); highest among the groups gnomAD compares: East Asian, 0.022%; no homozygotes.

Submissions (3):

Ambry Genetics
Classification: Uncertain significance for Cardiovascular phenotype. Last evaluated: 2023-09-07. Review status: criteria provided, single submitter. Criteria: Ambry Variant Classification Scheme 2023. Collection method: clinical testing. Allele origin: germline.
Comment: The p.E291K variant (also known as c.871G>A), located in coding exon 8 of the NEXN gene, results from a G to A substitution at nucleotide position 871. The glutamic acid at codon 291 is replaced by lysine, an amino acid with similar properties. This variant has been detected in an individual from a hypertrophic cardiomyopathy cohort; however, details were limited (Burns C et al. Circ Cardiovasc Genet, 2017 Aug;10). This amino acid position is highly conserved in available vertebrate species. In addition, the in silico prediction for this alteration is inconclusive. Since supporting evidence is limited at this time, the clinical significance of this alteration remains unclear.

Clinical Genomics Laboratory, Stanford Medicine
Classification: Uncertain significance for Dilated cardiomyopathy 1CC; Hypertrophic cardiomyopathy 20. Last evaluated: 2021-09-27. Review status: criteria provided, single submitter. Criteria: ACMG Guidelines, 2015. Collection method: clinical testing. Allele origin: germline. Observed: 1 variant allele, 1 heterozygote.
Comment: The p.Glu291Lys variant in the NEXN gene has not been previously reported in association with disease. This variant has been identified in 6/17,956 East Asian chromosomes by the Genome Aggregation Database. Computational tools predict that this variant does not impact protein function; however, the accuracy of in silico algorithms is limited. These data were assessed using the ACMG/AMP variant interpretation guidelines. In summary, the significance of the p.Glu291Lys variant is uncertain. Additional information is needed to resolve the significance of this variant. In this case, neither pathogenic nor benign criteria could be applied to the variant, hence no ACMG codes were used, and the variant is a VUS [ACMG evidence codes used: none]

Labcorp Genetics (formerly Invitae), Labcorp
Classification: Uncertain significance for Dilated cardiomyopathy 1CC; Hypertrophic cardiomyopathy 20. Last evaluated: 2021-01-12. Review status: criteria provided, single submitter. Criteria: Invitae Variant Classification Sherloc (09022015). Collection method: clinical testing. Allele origin: germline.
Comment: In summary, the available evidence is currently insufficient to determine the role of this variant in disease. Therefore, it has been classified as a Variant of Uncertain Significance. Algorithms developed to predict the effect of missense changes on protein structure and function (SIFT, PolyPhen-2, Align-GVGD) all suggest that this variant is likely to be tolerated, but these predictions have not been confirmed by published functional studies and their clinical significance is uncertain. This variant has been observed in an individual with hypertrophic cardiomyopathy (PMID:¬†28790153). This variant is present in population databases (rs770120245, ExAC 0.01%). This sequence change replaces glutamic acid with lysine at codon 291 of the NEXN protein (p.Glu291Lys). The glutamic acid residue is highly conserved and there is a small physicochemical difference between glutamic acid and lysine.

Literature cited by the submitters: PubMed 28790153 (cited by Ambry Genetics).